The following is an entry in ClinVar:

ClinVar aggregate classification (germline): Uncertain significance (1 of 4 stars; one submission).

Conditions:
Idiopathic Pulmonary Fibrosis. Also called: Idiopathic fibrosing alveolitis, chronic form; idiopathic fibrosing alveolitis. Identifiers: Orphanet 2032, MedGen C1800706, MeSH D054990, MONDO:0800504.
Dyskeratosis congenita, autosomal dominant 2. Identifiers: MedGen C3151443, MONDO:0013521, OMIM 613989.

Submission:

Labcorp Genetics (formerly Invitae), Labcorp
Classification: Uncertain significance for Dyskeratosis congenita, autosomal dominant 2; Idiopathic Pulmonary Fibrosis. Last evaluated: 2023-01-13. Review status: criteria provided, single submitter. Criteria: Invitae Variant Classification Sherloc (09022015). Collection method: clinical testing. Allele origin: germline.
Comment: This sequence change replaces serine, which is neutral and polar, with threonine, which is neutral and polar, at codon 255 of the TERT protein (p.Ser255Thr). This variant is not present in population databases (gnomAD no frequency). This variant has not been reported in the literature in individuals affected with TERT-related conditions. Advanced modeling of protein sequence and biophysical properties (such as structural, functional, and spatial information, amino acid conservation, physicochemical variation, residue mobility, and thermodynamic stability) performed at Invitae indicates that this missense variant is not expected to disrupt TERT protein function. In summary, the available evidence is currently insufficient to determine the role of this variant in disease. Therefore, it has been classified as a Variant of Uncertain Significance.

NM_198253.3(TERT):c.763T>A (p.Ser255Thr)

Gene: TERT (telomerase reverse transcriptase; minus strand). Cytogenetic location: 5p15.33.
Variant type: single nucleotide variant.
Coding change: c.763T>A on transcript NM_198253.3 (MANE Select); coding-DNA position 763, T replaced by A.
Protein change: p.Ser255Thr; replaces serine 255 with threonine.
Molecular consequence: missense variant. On other transcripts: non-coding transcript variant (2).
Genome position (GRCh38, 1-based): chr5:1,294,123, A>T on the plus strand (T>A on the coding strand, the complement: TERT is on the minus strand). VCF-style: chr5-1294123-A-T. GRCh37 (hg19) VCF-style: chr5-1294238-A-T.
Other names: c.763T>A, p.Ser255Thr (NM_001193376.3, NM_003219.1); short protein forms S255T.
Identifiers: ClinVar variation 2929961 (VCV002929961.3), dbSNP rs2478420525, ClinGen allele CA359056873.